The following is an entry in ClinVar:

ClinVar aggregate classification (germline): Uncertain significance (1 of 4 stars; one submission).

Allele frequency attached by ClinVar (database versions not stated): gnomAD exomes below 0.00001.

Submission:

Labcorp Genetics (formerly Invitae), Labcorp
Classification: Uncertain significance. Last evaluated: 2024-02-24. Review status: criteria provided, single submitter. Criteria: Invitae Variant Classification Sherloc (09022015). Collection method: clinical testing. Allele origin: germline.
Comment: This sequence change replaces glutamine, which is neutral and polar, with arginine, which is basic and polar, at codon 949 of the TUBGCP6 protein (p.Gln949Arg). The frequency data for this variant in the population databases is considered unreliable, as metrics indicate poor data quality at this position in the gnomAD database. This variant has not been reported in the literature in individuals affected with TUBGCP6-related conditions. ClinVar contains an entry for this variant (Variation ID: 964844). An algorithm developed to predict the effect of missense changes on protein structure and function (PolyPhen-2) suggests that this variant is likely to be tolerated. In summary, the available evidence is currently insufficient to determine the role of this variant in disease. Therefore, it has been classified as a Variant of Uncertain Significance.

NM_020461.4(TUBGCP6):c.2846A>G (p.Gln949Arg)

Gene: TUBGCP6 (tubulin gamma complex component 6; minus strand). Cytogenetic location: 22q13.33.
Variant type: single nucleotide variant.
Coding change: c.2846A>G on transcript NM_020461.4 (MANE Select); coding-DNA position 2846, A replaced by G.
Protein change: p.Gln949Arg; replaces glutamine 949 with arginine.
Molecular consequence: missense variant.
Genome position (GRCh38, 1-based): chr22:50,221,513, T>C on the plus strand (A>G on the coding strand, the complement: TUBGCP6 is on the minus strand). VCF-style: chr22-50221513-T-C. GRCh37 (hg19) VCF-style: chr22-50659942-T-C.
Other names: short protein forms Q949R.
Identifiers: ClinVar variation 964844 (VCV000964844.9), dbSNP rs1287745620, ClinGen allele CA412186467.